The following is an entry in ClinVar:

ClinVar aggregate classification (germline): Uncertain significance (1 of 4 stars; one submission).

Allele frequency attached by ClinVar (database versions not stated): gnomAD exomes 0.00001; ExAC 0.00002.
gnomAD v4.1: 4 of 1,614,034 alleles (0.00025%); highest among the groups gnomAD compares: Non-Finnish European, 0.00025%; no homozygotes.

Submission:

Labcorp Genetics (formerly Invitae), Labcorp
Classification: Uncertain significance. Last evaluated: 2021-09-29. Review status: criteria provided, single submitter. Criteria: Invitae Variant Classification Sherloc (09022015). Collection method: clinical testing. Allele origin: germline.
Comment: This sequence change replaces phenylalanine with serine at codon 690 of the LRP6 protein (p.Phe690Ser). The phenylalanine residue is highly conserved and there is a large physicochemical difference between phenylalanine and serine. This variant is present in population databases (rs777003235, ExAC 0.005%). This variant has not been reported in the literature in individuals affected with LRP6-related conditions. Algorithms developed to predict the effect of missense changes on protein structure and function (SIFT, PolyPhen-2, Align-GVGD) all suggest that this variant is likely to be disruptive. In summary, the available evidence is currently insufficient to determine the role of this variant in disease. Therefore, it has been classified as a Variant of Uncertain Significance.

NM_002336.3(LRP6):c.2069T>C (p.Phe690Ser)

Gene: LRP6 (LDL receptor related protein 6; minus strand). Cytogenetic location: 12p13.2.
Variant type: single nucleotide variant.
Coding change: c.2069T>C on transcript NM_002336.3 (MANE Select); coding-DNA position 2069, T replaced by C.
Protein change: p.Phe690Ser; replaces phenylalanine 690 with serine.
Molecular consequence: missense variant.
Genome position (GRCh38, 1-based): chr12:12,162,403, A>G on the plus strand (T>C on the coding strand, the complement: LRP6 is on the minus strand). VCF-style: chr12-12162403-A-G. GRCh37 (hg19) VCF-style: chr12-12315337-A-G.
Other names: short protein forms F690S.
Identifiers: ClinVar variation 1521945 (VCV001521945.6), dbSNP rs777003235, ClinGen allele CA6455535.
Genomic context (GRCh38, chr12:12,162,403, plus strand): 5'-ATGCCTTCTGGATAATCTAAGCCGAATTCTACCACATGTTCCAGTGCACTGCCATTCATA[A>G]AGGCTCTGCTGATGGTCTGCAAAAGAACATTAACAACTAAGTCATATGGCATAAGTCTAA-3'
Protein context (NP_002327.2, residues 680-700): DISLKTISRA[Phe690Ser]MNGSALEHVV